The following is an entry in ClinVar:

ClinVar aggregate classification (germline): Conflicting classifications of pathogenicity. Review status: criteria provided, conflicting classifications (1 of 4 stars). 7 submissions from 7 submitters: Uncertain significance (4); Likely benign (3). Last evaluated 2025-11-19.

Conditions:
Collagen 6-related myopathy. Identifiers: MedGen CN117976, MONDO:0100225.
Bethlem myopathy 1A. Also called: MYOPATHY, BENIGN CONGENITAL, WITH CONTRACTURES; Bethlem myopathy 1; Bethlem Muscular Dystrophy. Identifiers: Orphanet 610, MedGen CN029274, MONDO:0024530, OMIM 158810.

Allele frequency attached by ClinVar (database versions not stated): TOPMed 0.00013; 1000 Genomes Project 30x 0.00016; gnomAD 0.00018 and 0.00019; 1000 Genomes Project 0.00020; gnomAD exomes 0.00022 and 0.00023; ExAC 0.00023; ESP Exome Variant Server 0.00031.
gnomAD v4.1: 361 of 1,612,912 alleles (0.022%); highest among the groups gnomAD compares: Middle Eastern, 0.083%; no homozygotes.

Submissions (8):

Labcorp Genetics (formerly Invitae), Labcorp
Classification: Likely benign for Bethlem myopathy 1A. Last evaluated: 2025-11-19. Review status: criteria provided, single submitter. Criteria: Invitae Variant Classification Sherloc (09022015). Collection method: clinical testing. Allele origin: germline.

Revvity Omics, Revvity
Classification: Uncertain significance. Last evaluated: 2025-05-30. Review status: criteria provided, single submitter. Criteria: ACMG Guidelines, 2015. Collection method: clinical testing. Allele origin: germline.

Blueprint Genetics
Classification: Likely benign. Last evaluated: 2024-09-09. Review status: criteria provided, single submitter. Criteria: ACMG Guidelines, 2015. Collection method: clinical testing. Allele origin: germline.

GeneDx
Classification: Uncertain significance. Last evaluated: 2023-05-09. Review status: criteria provided, single submitter. Criteria: GeneDx Variant Classification Process June 2021. Collection method: clinical testing. Allele origin: germline. Affected: yes.
Comment: In silico analysis supports a deleterious effect on splicing; Has not been previously published as pathogenic or benign to our knowledge

Mayo Clinic Laboratories, Mayo Clinic
Classification: Uncertain significance. Last evaluated: 2023-02-27. Review status: criteria provided, single submitter. Criteria: ACMG Guidelines, 2015. Collection method: clinical testing. Allele origin: germline. Observed: 3 variant alleles.
Comment: PP3

Illumina Laboratory Services, Illumina
Classification: Likely benign for Collagen VI-related myopathy. Last evaluated: 2018-01-13. Review status: criteria provided, single submitter. Criteria: ICSL Variant Classification Criteria 13 December 2019. Collection method: clinical testing. Allele origin: germline.
Comment: This variant was observed in the ICSL laboratory as part of a predisposition screen in an ostensibly healthy population. It had not been previously curated by ICSL or reported in the Human Gene Mutation Database (HGMD: prior to June 1st, 2018), and was therefore a candidate for classification through an automated scoring system. Utilizing variant allele frequency, disease prevalence and penetrance estimates, and inheritance mode, an automated score was calculated to assess if this variant is too frequent to cause the disease. Based on the score and internal cut-off values, a variant classified as likely benign is not then subjected to further curation. The score for this variant resulted in a classification of likely benign for this disease.

Eurofins Ntd Llc (ga)
Classification: Uncertain significance. Last evaluated: 2017-11-14. Review status: criteria provided, single submitter. Criteria: EGL Classification Definitions 2015. Collection method: clinical testing. Allele origin: germline. Observed: 1 variant allele, 1 heterozygote.

Dr. Peter K. Rogan Lab, Western University
No classification provided (evidence only). Condition: Clear cell carcinoma of kidney. Review status: no classification provided. Collection method: in vitro. Allele origin: not applicable. Functional consequence: retained intron. Not counted in ClinVar's aggregate classification.

NM_001849.4(COL6A2):c.1674G>A (p.Ala558=)

Gene: COL6A2 (collagen type VI alpha 2 chain; plus strand). Cytogenetic location: 21q22.3.
Variant type: single nucleotide variant.
Coding change: c.1674G>A on transcript NM_001849.4 (MANE Select); coding-DNA position 1674, G replaced by A.
Protein change: p.Ala558=; no amino-acid change (alanine 558 retained).
Molecular consequence: synonymous variant.
Genome position (GRCh38, 1-based): chr21:46,124,653, G>A. VCF-style: chr21-46124653-G-A. GRCh37 (hg19) VCF-style: chr21-47544567-G-A.
Other names: p.Ala558=; c.1674G>A, p.Ala558= (NM_058174.3, NM_058175.3).
Identifiers: ClinVar variation 340368 (VCV000340368.26), dbSNP rs144334894, ClinGen allele CA10072113.